The following is an entry in ClinVar:

ClinVar aggregate classification (germline): Uncertain significance (1 of 4 stars; one submission).

Conditions:
Inborn genetic diseases. Identifiers: MedGen C0950123, MeSH D030342.

Submission:

Ambry Genetics
Classification: Uncertain significance for Inborn genetic diseases. Last evaluated: 2025-07-11. Review status: criteria provided, single submitter. Criteria: Ambry Variant Classification Scheme 2023. Collection method: clinical testing. Allele origin: germline.
Comment: The p.R61H variant (also known as c.182G>A), located in coding exon 1 of the KDM1A gene, results from a G to A substitution at nucleotide position 182. The arginine at codon 61 is replaced by histidine, an amino acid with highly similar properties. This amino acid position is conserved. In addition, this alteration is predicted to be tolerated by in silico analysis. Based on the available evidence, the clinical significance of this variant remains unclear.

NM_001009999.3(KDM1A):c.182G>A (p.Arg61His)

Gene: KDM1A (lysine demethylase 1A; plus strand). Cytogenetic location: 1p36.12.
Variant type: single nucleotide variant.
Coding change: c.182G>A on transcript NM_001009999.3 (MANE Select); coding-DNA position 182, G replaced by A.
Protein change: p.Arg61His; replaces arginine 61 with histidine.
Molecular consequence: missense variant.
Genome position (GRCh38, 1-based): chr1:23,019,778, G>A. VCF-style: chr1-23019778-G-A. GRCh37 (hg19) VCF-style: chr1-23346271-G-A.
Other names: c.182G>A, p.Arg61His (NM_001363654.2, NM_001410762.1, NM_001410763.1 and 1 more transcripts); short protein forms R61H.
Identifiers: ClinVar variation 4091053 (VCV004091053.1).